The following is an entry in ClinVar:

NM_000543.5(SMPD1):c.1556A>G (p.Tyr519Cys)

Gene: SMPD1 (sphingomyelin phosphodiesterase 1; plus strand). Cytogenetic location: 11p15.4.
Variant type: single nucleotide variant.
Coding change: c.1556A>G on transcript NM_000543.5 (MANE Select); coding-DNA position 1556, A replaced by G.
Protein change: p.Tyr519Cys; replaces tyrosine 519 with cysteine.
Molecular consequence: missense variant. On other transcripts: 3 prime UTR variant (1), non-coding transcript variant (2).
Genome position (GRCh38, 1-based): chr11:6,394,267, A>G. VCF-style: chr11-6394267-A-G. GRCh37 (hg19) VCF-style: chr11-6415497-A-G.
Other names: c.1553A>G, p.Tyr518Cys (NM_001007593.3); c.*49A>G (NM_001318087.2); c.635A>G, p.Tyr212Cys (NM_001318088.2); c.1424A>G, p.Tyr475Cys (NM_001365135.2); short protein forms Y519C, Y212C, Y475C, Y518C.
Identifiers: ClinVar variation 437453 (VCV000437453.14), dbSNP rs371837210, ClinGen allele CA379376203.
Genomic context (GRCh38, chr11:6,394,267, plus strand): 5'-TGTACCAAATAGATGGAAACTACTCCGGGAGCTCTCACGTGGTCCTGGACCATGAGACCT[A>G]CATCCTGAATCTGACCCAGGCAAACATACCGGGAGCCATACCGCACTGGCAGCTTCTCTA-3'
Protein context (NP_000534.3, residues 509-529): SSHVVLDHET[Tyr519Cys]ILNLTQANIP

ClinVar aggregate classification (germline): Conflicting classifications of pathogenicity. Review status: criteria provided, conflicting classifications (1 of 4 stars). 6 submissions from 6 submitters: Pathogenic (1); Likely pathogenic (2); Uncertain significance (2). 1 of the submissions does not count toward it. Last evaluated 2026-08-26.

Conditions:
Acid sphingomyelinase deficiency. Identifiers: Orphanet 618899, MedGen C5243927, MONDO:0100464.
Niemann-Pick disease, type B. Also called: Chronic Visceral ASMD (Niemann-Pick Disease Type B; NPD-B). Identifiers: Orphanet 77293, MedGen C0268243, MONDO:0011871, OMIM 607616. Disease mechanism: loss of function.
Niemann-Pick disease, type A. Also called: SPHINGOMYELIN LIPIDOSIS; SPHINGOMYELINASE DEFICIENCY; Infantile Neurovisceral ASMD (Niemann-Pick Disease Type A; NPD-A). Identifiers: Orphanet 77292, MedGen C0268242, MONDO:0009756, OMIM 257200. Disease mechanism: loss of function.

gnomAD v4.1: 1 of 1,614,186 alleles (0.000062%); highest among the groups gnomAD compares: Non-Finnish European, 0.000085%; no homozygotes.

Submissions (6):

Myriad Genetics, Inc.
Classification: Pathogenic for Acid sphingomyelinase deficiency. Last evaluated: 2026-08-26. Review status: criteria provided, single submitter. Criteria: Myriad Autosomal Dominant, Autosomal Recessive and X-Linked Classification Criteria (2023). Collection method: clinical testing. Allele origin: unknown.
Comment: NM_000543.4(SMPD1):c.1556A>G(Y519C) is a missense variant classified as pathogenic in the context of Niemann-Pick disease, SMPD1-related. Y519C has been observed in cases with relevant disease (PMID: 15221801, 42339202, 27338287). Relevant functional assessments of this variant are not available in the literature. Y519C has not been observed in referenced population frequency databases. In summary, NM_000543.4(SMPD1):c.1556A>G(Y519C) is a missense variant that has been observed more frequently in cases with the relevant disease than in healthy populations. Please note: this variant was assessed in the context of healthy population screening.

Women's Health and Genetics/Laboratory Corporation of America, LabCorp
Classification: Uncertain significance. Last evaluated: 2025-07-31. Review status: criteria provided, single submitter. Criteria: LabCorp Variant Classification Summary - May 2015. Collection method: clinical testing. Allele origin: germline.
Comment: Variant summary: SMPD1 c.1556A>G (p.Tyr519Cys) results in a non-conservative amino acid change located in the sphingomyelin phosphodiesterase, C-terminal domain (IPR045473) of the encoded protein sequence. Algorithms developed to predict the effect of missense changes on protein structure and function all suggest that this variant is likely to be disruptive. The variant was absent in 251342 control chromosomes. c.1556A>G has been observed in individuals affected with Niemann-Pick Disease (Ricci_2004, Ranganath_2016). These data indicate that the variant may be associated with disease. To our knowledge, no experimental evidence demonstrating an impact on protein function has been reported. The following publications have been ascertained in the context of this evaluation (PMID: 27338287, 15221801). ClinVar contains an entry for this variant (Variation ID: 437453). Based on the evidence outlined above, the variant was classified as VUS-possibly pathogenic.

Fulgent Genetics
Classification: Likely pathogenic for Niemann-Pick disease, type A; Niemann-Pick disease, type B. Last evaluated: 2024-05-15. Review status: criteria provided, single submitter. Criteria: ACMG Guidelines, 2015. Collection method: clinical testing. Allele origin: germline.

Labcorp Genetics (formerly Invitae), Labcorp
Classification: Likely pathogenic for Niemann-Pick disease, type B; Niemann-Pick disease, type A. Last evaluated: 2022-03-03. Review status: criteria provided, single submitter. Criteria: Invitae Variant Classification Sherloc (09022015). Collection method: clinical testing. Allele origin: germline.
Comment: This sequence change replaces tyrosine, which is neutral and polar, with cysteine, which is neutral and slightly polar, at codon 519 of the SMPD1 protein (p.Tyr519Cys). This variant is not present in population databases (gnomAD no frequency). In summary, the currently available evidence indicates that the variant is pathogenic, but additional data are needed to prove that conclusively. Therefore, this variant has been classified as Likely Pathogenic. Advanced modeling of protein sequence and biophysical properties (such as structural, functional, and spatial information, amino acid conservation, physicochemical variation, residue mobility, and thermodynamic stability) performed at Invitae indicates that this missense variant is expected to disrupt SMPD1 protein function. ClinVar contains an entry for this variant (Variation ID: 437453). This variant is also known as p.Y517C. This missense change has been observed in individuals with Niemann-Pick disease type A (PMID: 15221801, 27338287).

Genomic Research Center, Shahid Beheshti University of Medical Sciences
Classification: Uncertain significance for Niemann-Pick disease, type A. Last evaluated: 2020-05-03. Review status: criteria provided, single submitter. Criteria: ACMG Guidelines, 2015. Collection method: clinical testing. Allele origin: unknown.

Counsyl
Classification: Uncertain significance for Niemann-Pick disease, type A. Last evaluated: 2017-10-08. Review status: no assertion criteria provided. Collection method: clinical testing. Allele origin: unknown. Not counted in ClinVar's aggregate classification.

Literature cited by the submitters: PubMed 15221801 (cited by 4 submitters); PubMed 27338287 (cited by 4 submitters); PubMed 42339202 (cited by Myriad Genetics, Inc.).